The following is an entry in ClinVar:

NM_000829.4(GRIA4):c.230T>C (p.Phe77Ser)

Gene: GRIA4 (glutamate ionotropic receptor AMPA type subunit 4; plus strand). Cytogenetic location: 11q22.3.
Variant type: single nucleotide variant.
Coding change: c.230T>C on transcript NM_000829.4 (MANE Select); coding-DNA position 230, T replaced by C.
Protein change: p.Phe77Ser; replaces phenylalanine 77 with serine.
Molecular consequence: missense variant. On other transcripts: non-coding transcript variant (1).
Genome position (GRCh38, 1-based): chr11:105,612,417, T>C. VCF-style: chr11-105612417-T-C. GRCh37 (hg19) VCF-style: chr11-105483144-T-C.
Other names: c.230T>C, p.Phe77Ser (NM_001077243.3, NM_001077244.2, NM_001112812.2); short protein forms F77S.
Identifiers: ClinVar variation 989314 (VCV000989314.4), dbSNP rs1950504139, ClinGen allele CA382298795.

ClinVar aggregate classification (germline): Uncertain significance (1 of 4 stars; one submission).

Conditions:
GRIA4-related neurodevelopmental disorder.

Submission:

Illumina Laboratory Services, Illumina
Classification: Uncertain significance for GRIA4-related neurodevelopmental disorder. Last evaluated: 2020-05-28. Review status: criteria provided, single submitter. Criteria: ICSLVariantClassificationCriteria RUGD 01 April 2020. Collection method: clinical testing. Allele origin: unknown.
Comment: The GRIA4 c.230T>C (p.Phe77Ser) variant is a missense variant. A literature search was performed for the gene, cDNA change, and amino acid change. No publications were found based on this search. This variant is not found the Genome Aggregation Database in a region of good sequence coverage, so the variant is presumed to be rare. Based on the limited evidence, the p.Phe77Ser variant is classified as a variant of uncertain significance for GRIA4-related neurodevelopmental disorder.